The following is an entry in ClinVar:

ClinVar aggregate classification (germline): Uncertain significance. Review status: criteria provided, multiple submitters, no conflicts (2 of 4 stars). 6 submissions from 6 submitters: Uncertain significance (5). 1 of the submissions does not count toward it. Last evaluated 2023-12-13.

Conditions:
FBN1-related disorder. Also called: FBN1-related disorders.
Weill-Marchesani syndrome 2, dominant. Also called: FBN1-Related Weill-Marchesani Syndrome; Weill-Marchesani Syndrome, Autosomal Dominant. Identifiers: Orphanet 2084, MedGen C1869115, MONDO:0012013, OMIM 608328.
Progeroid and marfanoid aspect-lipodystrophy syndrome. Also called: MARFANOID-PROGEROID SYNDROME; MARFAN-PROGEROID-LIPODYSTROPHY SYNDROME; Marfan lipodystrophy syndrome; MARFANOID-PROGEROID-LIPODYSTROPHY SYNDROME. Identifiers: Orphanet 300382, MedGen C4310796, MONDO:0014831, OMIM 616914.
Acromicric dysplasia (ACMICD). Also called: Acromicric skeletal dysplasia. Identifiers: Orphanet 969, MedGen C0265287, MONDO:0007055, OMIM 102370.
Ectopia lentis 1, isolated, autosomal dominant (ECTOL1). Identifiers: Orphanet 1885, MedGen C3541518, MONDO:0007514, OMIM 129600.
Geleophysic dysplasia 2 (GPHYSD2). Identifiers: Orphanet 2623, MedGen C3280054, MONDO:0013612, OMIM 614185.
Marfan syndrome (MFS). Also called: Marfan syndrome, classic; Marfan syndrome type 1; Marfan's syndrome; FBN1-Related Marfan Syndrome; MARFAN SYNDROME, TYPE I. Identifiers: Orphanet 284963, Orphanet 558, MedGen C0024796, MONDO:0007947, OMIM 154700.
MASS syndrome (OCTD). Also called: OVERLAP CONNECTIVE TISSUE DISEASE; MASS PHENOTYPE. Identifiers: MedGen C1858556, MONDO:0011431, OMIM 604308.
Stiff skin syndrome (SSKS). Identifiers: Orphanet 2833, MedGen C1861456, MONDO:0008492, OMIM 184900.
Familial thoracic aortic aneurysm and aortic dissection (TAAD). Also called: Thoracic aortic aneurysms and dissections. Identifiers: Orphanet 91387, MedGen C4707243, MONDO:0019625.

Allele frequency attached by ClinVar (database versions not stated): gnomAD exomes below 0.00001.
gnomAD v4.1: 2 of 1,613,588 alleles (0.00012%); highest among the groups gnomAD compares: Non-Finnish European, 0.00017%; no homozygotes.

Submissions (6):

GeneDx
Classification: Uncertain significance. Last evaluated: 2023-12-13. Review status: criteria provided, single submitter. Criteria: GeneDx Variant Classification Process June 2021. Collection method: clinical testing. Allele origin: germline. Affected: yes.
Comment: Reported in an infant with sudden unexplained death (PMID: 30086531); Although located in a calcium-binding EGF-like domain of the FBN1 gene, it does not affect a cysteine residue within this domain; cysteine substitutions in the calcium-binding EGF-like domains represent the majority of pathogenic missense changes associated with FBN1-related disorders (PMID: 12938084); Not observed at significant frequency in large population cohorts (gnomAD); In silico analysis supports that this missense variant does not alter protein structure/function; This variant is associated with the following publications: (PMID: 36693943, 12938084, 30086531)

All of Us Research Program, National Institutes of Health
Classification: Uncertain significance for Marfan syndrome. Last evaluated: 2023-08-08. Review status: criteria provided, single submitter. Criteria: ACMG Guidelines, 2015. Collection method: clinical testing. Allele origin: germline. Inheritance: Autosomal dominant inheritance. Observed: 1 variant allele, 1 heterozygote.
Comment: This missense variant replaces glutamine with arginine at codon 2054 of the FBN1 protein. Computational prediction suggests that this variant may not impact protein structure and function (internally defined REVEL score threshold <= 0.5, PMID: 27666373). To our knowledge, functional studies have not been reported for this variant. This variant has been reported in one individual affected with sudden infant death (PMID: 30086531). This variant has not been identified in the general population by the Genome Aggregation Database (gnomAD). The available evidence is insufficient to determine the role of this variant in disease conclusively. Therefore, this variant is classified as a Variant of Uncertain Significance.

This study involves interpretation of variants in research participants for the purpose of population health screening. Participant phenotype was not available at the time of variant classification. Additional details can be found in publication PMID: 35346344, PMCID: PMC8962531

Labcorp Genetics (formerly Invitae), Labcorp
Classification: Uncertain significance for Marfan syndrome; Familial thoracic aortic aneurysm and aortic dissection. Last evaluated: 2022-11-12. Review status: criteria provided, single submitter. Criteria: Invitae Variant Classification Sherloc (09022015). Collection method: clinical testing. Allele origin: germline.
Comment: This variant disrupts the p.Gln2054 amino acid residue in FBN1. Other variant(s) that disrupt this residue have been observed in individuals with FBN1-related conditions (PMID: 11139245), which suggests that this may be a clinically significant amino acid residue. Algorithms developed to predict the effect of missense changes on protein structure and function (SIFT, PolyPhen-2, Align-GVGD) all suggest that this variant is likely to be tolerated. ClinVar contains an entry for this variant (Variation ID: 938898). This missense change has been observed in individual(s) with clinical features of Marfan syndrome (Invitae). This variant is not present in population databases (gnomAD no frequency). This sequence change replaces glutamine, which is neutral and polar, with arginine, which is basic and polar, at codon 2054 of the FBN1 protein (p.Gln2054Arg). In summary, the available evidence is currently insufficient to determine the role of this variant in disease. Therefore, it has been classified as a Variant of Uncertain Significance.

Fulgent Genetics
Classification: Uncertain significance for Acromicric dysplasia; Ectopia lentis 1, isolated, autosomal dominant; Marfan syndrome; Stiff skin syndrome; MASS syndrome; Weill-Marchesani syndrome 2, dominant; Geleophysic dysplasia 2; Progeroid and marfanoid aspect-lipodystrophy syndrome. Last evaluated: 2021-10-20. Review status: criteria provided, single submitter. Criteria: ACMG Guidelines, 2015. Collection method: clinical testing. Allele origin: unknown.

Blueprint Genetics
Classification: Uncertain significance. Last evaluated: 2019-05-23. Review status: criteria provided, single submitter. Criteria: ACMG Guidelines, 2015. Collection method: clinical testing. Allele origin: germline.

PreventionGenetics, part of Exact Sciences
Classification: Uncertain significance for FBN1-related condition. Last evaluated: 2024-08-22. Review status: no assertion criteria provided. Collection method: clinical testing. Allele origin: germline. Not counted in ClinVar's aggregate classification.
Comment: The FBN1 c.6161A>G variant is predicted to result in the amino acid substitution p.Gln2054Arg. This variant has been observed in an individual from a cohort of infants with sudden unexplained death (SIDS) (Campuzano et al. 2018. PubMed ID: 30086531; variant reevaluated in Martinez-Barrios et al. 2023. PubMed ID: 36693943) and reported as variant of uncertain significance. This variant has not been reported in a large population database, indicating this variant is rare. At this time, the clinical significance of this variant is uncertain due to the absence of conclusive functional and genetic evidence.

Literature cited by the submitters: PubMed 30086531 (cited by All of Us Research Program, National Institutes of Health); PubMed 11139245 (cited by Labcorp Genetics (formerly Invitae), Labcorp).

NM_000138.5(FBN1):c.6161A>G (p.Gln2054Arg)

Gene: FBN1 (fibrillin 1; minus strand). Cytogenetic location: 15q21.1.
Variant type: single nucleotide variant.
Coding change: c.6161A>G on transcript NM_000138.5 (MANE Select); coding-DNA position 6161, A replaced by G.
Protein change: p.Gln2054Arg; replaces glutamine 2054 with arginine.
Molecular consequence: missense variant.
Genome position (GRCh38, 1-based): chr15:48,441,723, T>C on the plus strand (A>G on the coding strand, the complement: FBN1 is on the minus strand). VCF-style: chr15-48441723-T-C. GRCh37 (hg19) VCF-style: chr15-48733920-T-C.
Other names: short protein forms Q2054R.
Identifiers: ClinVar variation 938898 (VCV000938898.13), dbSNP rs2043116342, ClinGen allele CA392337877.